The following is an entry in ClinVar:

ClinVar aggregate classification (germline): Pathogenic (1 of 4 stars; one submission).

Conditions:
Telangiectasia, hereditary hemorrhagic, type 2 (HHT2). Also called: ACVRL1-Related Hereditary Hemorrhagic Telangiectasia; Telangiectasia, hereditary hemorrhagic, type II. Identifiers: Orphanet 774, MedGen C1838163, MONDO:0010880, OMIM 600376. Disease mechanism: loss of function.

Submission:

Labcorp Genetics (formerly Invitae), Labcorp
Classification: Pathogenic for Telangiectasia, hereditary hemorrhagic, type 2. Last evaluated: 2023-07-18. Review status: criteria provided, single submitter. Criteria: Invitae Variant Classification Sherloc (09022015). Collection method: clinical testing. Allele origin: germline.
Comment: ClinVar contains an entry for this variant (Variation ID: 464766). This premature translational stop signal has been observed in individuals with hemorrhagic telangiectasia (PMID: 15880681). This variant is not present in population databases (gnomAD no frequency). This sequence change creates a premature translational stop signal (p.Phe192Serfs*66) in the ACVRL1 gene. It is expected to result in an absent or disrupted protein product. Loss-of-function variants in ACVRL1 are known to be pathogenic (PMID: 15879500). Algorithms developed to predict the effect of sequence changes on RNA splicing suggest that this variant may disrupt the consensus splice site. For these reasons, this variant has been classified as Pathogenic.

Literature cited by the submitters: PubMed 15880681; PubMed 15879500.

NM_000020.3(ACVRL1):c.573del (p.Phe192fs)

Gene: ACVRL1 (activin A receptor like type 1; plus strand). Cytogenetic location: 12q13.13.
Variant type: Deletion.
Coding change: c.573del on transcript NM_000020.3 (MANE Select); coding-DNA position 573, one base deleted (C; older notation c.573delC).
Protein change: p.Phe192fs; shifts the reading frame from phenylalanine 192.
Molecular consequence: frameshift variant.
Genome position (GRCh38, 1-based): chr12:51,914,021, C deleted; the last of 4 consecutive C bases (chr12:51,914,018-51,914,021); deleting any one gives the same sequence. VCF-style (leftmost placement, unchanged base first): chr12-51914017-TC-T. GRCh37 (hg19) VCF-style: chr12-52307801-TC-T.
Other names: c.573delC (NM_000020.2); c.573del, p.Phe192fs (NM_001077401.2); short protein forms F192fs.
Identifiers: ClinVar variation 464766 (VCV000464766.8), dbSNP rs1555152786, ClinGen allele CA658656301.
Genomic context (GRCh38, chr12:51,914,017, plus strand): 5'-CCTCTCCGTACCCCCAGGACCTCCTGGACAGTGACTGCACCACAGGGAGTGGCTCAGGGC[TC>T]CCCTTCCTGGTGCAGAGGACAGTGGCACGGCAGGTTGCCTTGGTGGAGTGTGTGGGTGAG-3'